The following is an entry in ClinVar:

ClinVar aggregate classification (germline): Conflicting classifications of pathogenicity. Review status: criteria provided, conflicting classifications (1 of 4 stars). 7 submissions from 7 submitters: Uncertain significance (1); Likely benign (5). 1 of the submissions does not count toward it. Last evaluated 2026-01-23.

Conditions:
Autosomal recessive limb-girdle muscular dystrophy type 2L (LGMDR12). Also called: Limb-girdle muscular dystrophy, type 2L; Limb-Girdle Muscular Dystrophy R12 Anoctamin-5-Related (LGMD-R12); MUSCULAR DYSTROPHY, LIMB-GIRDLE, AUTOSOMAL RECESSIVE 12. Identifiers: Orphanet 206549, MedGen C1969785, MONDO:0012652, OMIM 611307.
Gnathodiaphyseal dysplasia (GDD). Also called: GNATHODIAPHYSEAL SCLEROSIS; OSTEOGENESIS IMPERFECTA WITH UNUSUAL SKELETAL LESIONS. Identifiers: Orphanet 53697, MedGen C1833736, MONDO:0008151, OMIM 166260.
ANO5-related disorder. Also called: ANO5-related disorders; ANO5-related condition. Identifiers: MedGen CN239193.

Allele frequency attached by ClinVar (database versions not stated): gnomAD exomes 0.00009 and 0.00022; ESP Exome Variant Server 0.00015; gnomAD 0.00015; 1000 Genomes Project 30x 0.00016; TOPMed 0.00018; ExAC 0.00019; 1000 Genomes Project 0.00020.
gnomAD v4.1: 155 of 1,608,672 alleles (0.0096%); highest among the groups gnomAD compares: Admixed American, 0.077%; no homozygotes.

Submissions (7):

Labcorp Genetics (formerly Invitae), Labcorp
Classification: Likely benign for Autosomal recessive limb-girdle muscular dystrophy type 2L; Gnathodiaphyseal dysplasia. Last evaluated: 2026-01-23. Review status: criteria provided, single submitter. Criteria: Invitae Variant Classification Sherloc (09022015). Collection method: clinical testing. Allele origin: germline.

Athena Diagnostics
Classification: Likely benign. Last evaluated: 2025-06-04. Review status: criteria provided, single submitter. Criteria: Athena Diagnostics Criteria. Collection method: clinical testing. Allele origin: unknown.
Comment: Computational tools yielded predictions that this variant is unlikely to have an effect on normal RNA splicing. This nucleotide position exhibits low evolutionary conservation.

Mayo Clinic Laboratories, Mayo Clinic
Classification: Likely benign. Last evaluated: 2025-02-04. Review status: criteria provided, single submitter. Criteria: ACMG Guidelines, 2015. Collection method: clinical testing. Allele origin: germline. Observed: 1 variant allele.
Comment: BP4, BP7

Blueprint Genetics
Classification: Likely benign. Last evaluated: 2024-02-14. Review status: criteria provided, single submitter. Criteria: ACMG Guidelines, 2015. Collection method: clinical testing. Allele origin: germline.

CeGaT Center for Human Genetics Tuebingen
Classification: Likely benign. Last evaluated: 2022-03-01. Review status: criteria provided, single submitter. Criteria: CeGaT Center For Human Genetics Tuebingen Variant Classification Criteria Version 2. Collection method: clinical testing. Allele origin: germline. Affected: yes. Observed: 1 variant allele.
Comment: ANO5: BP4, BP7

Eurofins Ntd Llc (ga)
Classification: Uncertain significance. Last evaluated: 2016-07-12. Review status: criteria provided, single submitter. Criteria: EGL Classification Definitions 2015. Collection method: clinical testing. Allele origin: germline. Observed: 5 variant alleles, 5 heterozygotes.

PreventionGenetics, part of Exact Sciences
Classification: Likely benign for ANO5-related condition. Last evaluated: 2021-12-20. Review status: no assertion criteria provided. Collection method: clinical testing. Allele origin: germline. Not counted in ClinVar's aggregate classification.
Comment: This variant is classified as likely benign based on ACMG/AMP sequence variant interpretation guidelines (Richards et al. 2015 PMID: 25741868, with internal and published modifications).

Literature cited by the submitters: PubMed 30564623 (cited by Athena Diagnostics).

NM_213599.3(ANO5):c.279C>T (p.Asp93=)

Gene: ANO5 (anoctamin 5; plus strand). Cytogenetic location: 11p14.3.
Variant type: single nucleotide variant.
Coding change: c.279C>T on transcript NM_213599.3 (MANE Select); coding-DNA position 279, C replaced by T.
Protein change: p.Asp93=; no amino-acid change (aspartic acid 93 retained).
Molecular consequence: synonymous variant.
Genome position (GRCh38, 1-based): chr11:22,221,195, C>T. VCF-style: chr11-22221195-C-T. GRCh37 (hg19) VCF-style: chr11-22242741-C-T.
Other names: p.Asp93=; c.276C>T, p.Asp92= (NM_001142649.2).
Identifiers: ClinVar variation 281458 (VCV000281458.42), dbSNP rs148516756, ClinGen allele CA5922853.